The following is an entry in ClinVar:

ClinVar aggregate classification (germline): Uncertain significance (1 of 4 stars; one submission).

Submission:

GeneDx
Classification: Uncertain significance. Last evaluated: 2017-09-21. Review status: criteria provided, single submitter. Criteria: GeneDx Variant Classification (06012015). Collection method: clinical testing. Allele origin: germline. Affected: yes.
Comment: The A1595D variant in the CACNA1D gene has not been reported previously as a pathogenic variant, nor as a benign variant, to our knowledge. The A1595D variant was not observed in approximately 6500 individuals of European and African American ancestry in the NHLBI Exome Sequencing Project, indicating it is not a common benign variant in these populations. The A1595D variant is a non-conservative amino acid substitution, which is likely to impact secondary protein structure as these residues differ in polarity, charge, size and/or other properties. This substitution occurs at a position where amino acids with similar properties to Alanine are tolerated across species. In silico analysis predicts this variant is probably damaging to the protein structure/function. We interpret A1595D as a variant of uncertain significance.

NM_001128840.3(CACNA1D):c.4724C>A (p.Ala1575Asp)

Gene: CACNA1D (calcium voltage-gated channel subunit alpha1 D; plus strand). Cytogenetic location: 3p21.1.
Variant type: single nucleotide variant.
Coding change: c.4724C>A on transcript NM_001128840.3 (MANE Select); coding-DNA position 4724, C replaced by A.
Protein change: p.Ala1575Asp; replaces alanine 1575 with aspartic acid.
Molecular consequence: missense variant.
Genome position (GRCh38, 1-based): chr3:53,781,599, C>A. VCF-style: chr3-53781599-C-A. GRCh37 (hg19) VCF-style: chr3-53815626-C-A.
Other names: c.4784C>A, p.Ala1595Asp (NM_000720.4); c.4679C>A, p.Ala1560Asp (NM_001128839.3); short protein forms A1595D, A1560D, A1575D.
Identifiers: ClinVar variation 421680 (VCV000421680.2), dbSNP rs1064795293, ClinGen allele CA16618003.
Genomic context (GRCh38, chr3:53,781,599, plus strand): 5'-TTTTCCCCTTTTGTTTTTTGAATCCAGGGAACCTGGAGCAAGCTAATGAAGAACTTCGGG[C>A]TGTGATAAAGAAAATTTGGAAGAAAACCAGCATGAAATTACTTGACCAAGTTGTCCCTCC-3'
Protein context (NP_001122312.1, residues 1565-1585): NLEQANEELR[Ala1575Asp]VIKKIWKKTS